The following is an entry in ClinVar:

NM_001382508.1(DROSHA):c.730C>G (p.His244Asp)

Gene: DROSHA (drosha ribonuclease III; minus strand). Cytogenetic location: 5p13.3.
Variant type: single nucleotide variant.
Coding change: c.730C>G on transcript NM_001382508.1 (MANE Select); coding-DNA position 730, C replaced by G.
Protein change: p.His244Asp; replaces histidine 244 with aspartic acid.
Molecular consequence: missense variant.
Genome position (GRCh38, 1-based): chr5:31,526,203, G>C on the plus strand (C>G on the coding strand, the complement: DROSHA is on the minus strand). VCF-style: chr5-31526203-G-C. GRCh37 (hg19) VCF-style: chr5-31526310-G-C.
Other names: c.730C>G, p.His244Asp (NM_001100412.2, NM_013235.5); short protein forms H244D.
Identifiers: ClinVar variation 3357538 (VCV003357538.1).

ClinVar aggregate classification (germline): Uncertain significance (0 of 4 stars; one submission).

Conditions:
DROSHA-related disorder. Also called: DROSHA-related condition.

gnomAD v4.1: 15 of 1,613,800 alleles (0.00093%); highest among the groups gnomAD compares: East Asian, 0.033%; no homozygotes.

Submission:

PreventionGenetics, part of Exact Sciences
Classification: Uncertain significance for DROSHA-related condition. Last evaluated: 2024-08-20. Review status: no assertion criteria provided. Collection method: clinical testing. Allele origin: germline.
Comment: The DROSHA c.730C>G variant is predicted to result in the amino acid substitution p.His244Asp. To our knowledge, this variant has not been reported in the literature or in the ClinVar database. This variant is reported in 0.072% of alleles in individuals of East Asian descent in gnomAD. At this time, the clinical significance of this variant is uncertain due to the absence of conclusive functional and genetic evidence.